The following is an entry in ClinVar:

ClinVar aggregate classification (germline): Uncertain significance (1 of 4 stars; one submission).

Allele frequency attached by ClinVar (database versions not stated): TOPMed 0.00003.

Submission:

Ambry Genetics
Classification: Uncertain significance. Last evaluated: 2021-12-20. Review status: criteria provided, single submitter. Criteria: Ambry Variant Classification Scheme 2023. Collection method: clinical testing. Allele origin: germline.
Comment: The p.G2074C variant (also known as c.6220G>T), located in coding exon 10 of the ALPK2 gene, results from a G to T substitution at nucleotide position 6220. The glycine at codon 2074 is replaced by cysteine, an amino acid with highly dissimilar properties. This amino acid position is conserved. In addition, the in silico prediction for this alteration is inconclusive. Since supporting evidence is limited at this time, the clinical significance of this alteration remains unclear.

NM_052947.4(ALPK2):c.6220G>T (p.Gly2074Cys)

Gene: ALPK2 (alpha kinase 2; minus strand). Cytogenetic location: 18q21.31.
Variant type: single nucleotide variant.
Coding change: c.6220G>T on transcript NM_052947.4 (MANE Select); coding-DNA position 6220, G replaced by T.
Protein change: p.Gly2074Cys; replaces glycine 2074 with cysteine.
Molecular consequence: missense variant.
Genome position (GRCh38, 1-based): chr18:58,503,958, C>A on the plus strand (G>T on the coding strand, the complement: ALPK2 is on the minus strand). VCF-style: chr18-58503958-C-A. GRCh37 (hg19) VCF-style: chr18-56171190-C-A.
Other names: short protein forms G2074C.
Identifiers: ClinVar variation 1752298 (VCV001752298.2), dbSNP rs1280043342, ClinGen allele CA402543145.